The following is an entry in ClinVar:

ClinVar aggregate classification (germline): Uncertain significance (1 of 4 stars; one submission).

Conditions:
Chédiak-Higashi syndrome (CHS). Also called: Chediak-Higashi Syndrome. Identifiers: Orphanet 167, MedGen C0007965, MONDO:0008963, OMIM 214500.

Allele frequency attached by ClinVar (database versions not stated): gnomAD exomes below 0.00001.
gnomAD v4.1: 6 of 1,614,146 alleles (0.00037%); highest among the groups gnomAD compares: Middle Eastern, 0.017%; no homozygotes.

Submission:

Labcorp Genetics (formerly Invitae), Labcorp
Classification: Uncertain significance for Chédiak-Higashi syndrome. Last evaluated: 2025-12-01. Review status: criteria provided, single submitter. Criteria: Invitae Variant Classification Sherloc (09022015). Collection method: clinical testing. Allele origin: germline.
Comment: This sequence change replaces glutamic acid, which is acidic and polar, with lysine, which is basic and polar, at codon 1437 of the LYST protein (p.Glu1437Lys). This variant is not present in population databases (gnomAD no frequency). This variant has not been reported in the literature in individuals affected with LYST-related conditions. ClinVar contains an entry for this variant (Variation ID: 1934042). Invitae Evidence Modeling of protein sequence and biophysical properties (such as structural, functional, and spatial information, amino acid conservation, physicochemical variation, residue mobility, and thermodynamic stability) indicates that this missense variant is not expected to disrupt LYST protein function with a negative predictive value of 80%. In summary, the available evidence is currently insufficient to determine the role of this variant in disease. Therefore, it has been classified as a Variant of Uncertain Significance.

NM_000081.4(LYST):c.4309G>A (p.Glu1437Lys)

Gene: LYST (lysosomal trafficking regulator; minus strand). Cytogenetic location: 1q42.3.
Variant type: single nucleotide variant.
Coding change: c.4309G>A on transcript NM_000081.4 (MANE Select); coding-DNA position 4309, G replaced by A.
Protein change: p.Glu1437Lys; replaces glutamic acid 1437 with lysine.
Molecular consequence: missense variant.
Genome position (GRCh38, 1-based): chr1:235,791,933, C>T on the plus strand (G>A on the coding strand, the complement: LYST is on the minus strand). VCF-style: chr1-235791933-C-T. GRCh37 (hg19) VCF-style: chr1-235955233-C-T.
Other names: c.4309G>A, p.Glu1437Lys (NM_001301365.1); short protein forms E1437K.
Identifiers: ClinVar variation 1934042 (VCV001934042.5), dbSNP rs2526911025, ClinGen allele CA344959975.
Genomic context (GRCh38, chr1:235,791,933, plus strand): 5'-GGACTGGGGCTATGTGCCAAGATGAAAGCAGCCGATGGGGAAAACTCTCTCTATCAGCCT[C>T]TTTCTTGCTCCGTGAAACTCGTGCTCTTCTCAATAAACCCATGGCCTTACTGTTTAAAAT-3'
Protein context (NP_000072.2, residues 1427-1447): RRARVSRSKK[Glu1437Lys]ADRESFPHRL